The following is an entry in ClinVar:

ClinVar aggregate classification (germline): Likely benign (1 of 4 stars; one submission).

Allele frequency attached by ClinVar (database versions not stated): gnomAD 0.00005; TOPMed 0.00007; ExAC 0.00009.
gnomAD v4.1: 66 of 1,614,002 alleles (0.0041%); highest among the groups gnomAD compares: Middle Eastern, 0.049%; no homozygotes.

Submission:

CeGaT Center for Human Genetics Tuebingen
Classification: Likely benign. Last evaluated: 2023-11-01. Review status: criteria provided, single submitter. Criteria: CeGaT Center For Human Genetics Tuebingen Variant Classification Criteria Version 2. Collection method: clinical testing. Allele origin: germline. Affected: yes. Observed: 2 variant alleles.
Comment: KDM5B: BP4, BP7

NM_006618.5(KDM5B):c.3615G>A (p.Ala1205=)

Gene: KDM5B (lysine demethylase 5B; minus strand). Cytogenetic location: 1q32.1.
Variant type: single nucleotide variant.
Coding change: c.3615G>A on transcript NM_006618.5 (MANE Select); coding-DNA position 3615, G replaced by A.
Protein change: p.Ala1205=; no amino-acid change (alanine 1205 retained).
Molecular consequence: synonymous variant.
Genome position (GRCh38, 1-based): chr1:202,733,695, C>T on the plus strand (G>A on the coding strand, the complement: KDM5B is on the minus strand). VCF-style: chr1-202733695-C-T. GRCh37 (hg19) VCF-style: chr1-202702823-C-T.
Other names: c.3723G>A, p.Ala1241= (NM_001314042.2); c.3480G>A, p.Ala1160= (NM_001347591.2); c.3600G>A, p.Ala1200= (NM_001399817.1).
Identifiers: ClinVar variation 2639794 (VCV002639794.24), dbSNP rs781095038, ClinGen allele CA1334151.